The following is an entry in ClinVar:

ClinVar aggregate classification (germline): Uncertain significance (1 of 4 stars; one submission).

Conditions:
Cardiovascular phenotype. Identifiers: MedGen CN230736.

Submission:

Ambry Genetics
Classification: Uncertain significance for Cardiovascular phenotype. Last evaluated: 2022-08-17. Review status: criteria provided, single submitter. Criteria: Ambry Variant Classification Scheme 2023. Collection method: clinical testing. Allele origin: germline.
Comment: The p.A3510V variant (also known as c.10529C>T), located in coding exon 38 of the ANK2 gene, results from a C to T substitution at nucleotide position 10529. The alanine at codon 3510 is replaced by valine, an amino acid with similar properties. This amino acid position is conserved. In addition, this alteration is predicted to be deleterious by in silico analysis. Since supporting evidence is limited at this time, the clinical significance of this alteration remains unclear.

NM_001148.6(ANK2):c.10529C>T (p.Ala3510Val)

Gene: ANK2 (ankyrin 2; plus strand). Cytogenetic location: 4q26.
Variant type: single nucleotide variant.
Coding change: c.10529C>T on transcript NM_001148.6 (MANE Select); coding-DNA position 10529, C replaced by T.
Protein change: p.Ala3510Val; replaces alanine 3510 with valine.
Molecular consequence: missense variant. On other transcripts: intron variant (68).
Genome position (GRCh38, 1-based): chr4:113,359,147, C>T. VCF-style: chr4-113359147-C-T. GRCh37 (hg19) VCF-style: chr4-114280303-C-T.
Other names: c.10295C>T, p.Ala3432Val (NM_001386142.1); c.6929C>T, p.Ala2310Val (NM_001386166.1); c.10670C>T, p.Ala3557Val (NM_001386174.1); c.10646C>T, p.Ala3549Val (NM_001386175.1); c.4412-1676C>T (NM_001386186.2, NM_001386148.2); c.4214-1676C>T (NM_001354269.3); c.4292-1676C>T (NM_001386187.2); c.4253-1676C>T (NM_001386147.1); and 35 more; short protein forms A3432V, A3549V, A3557V, A2310V, A3510V.
Identifiers: ClinVar variation 1777481 (VCV001777481.2), dbSNP rs2506056314, ClinGen allele CA357940627.